The following is an entry in ClinVar:

ClinVar aggregate classification (germline): Uncertain significance (1 of 4 stars; one submission).

Conditions:
Severe combined immunodeficiency due to IKK2 deficiency. Also called: IMMUNODEFICIENCY 15B; Immunodeficiency 15. Identifiers: Orphanet 397787, MedGen C4747743, MONDO:0014267, OMIM 615592.

Submission:

Labcorp Genetics (formerly Invitae), Labcorp
Classification: Uncertain significance for Severe combined immunodeficiency due to IKK2 deficiency. Last evaluated: 2022-03-25. Review status: criteria provided, single submitter. Criteria: Invitae Variant Classification Sherloc (09022015). Collection method: clinical testing. Allele origin: germline.
Comment: A copy number gain of the genomic region encompassing the full coding sequence of the IKBKB gene has been identified. The boundaries of this event are unknown as they extend beyond the assayed region for this gene and therefore may encompass additional genes. As the precise location of this event is unknown, it may be in tandem or it may be located elsewhere in the genome. This variant has not been reported in the literature in individuals affected with IKBKB-related conditions. In summary, the available evidence is currently insufficient to determine the role of this variant in disease. Therefore, it has been classified as a Variant of Uncertain Significance.

NC_000008.10:g.(?_41518984)_(42698237_?)dup

Genes: ANK1 (ankyrin 1; minus strand), AP3M2 (adaptor related protein complex 3 subunit mu 2; plus strand), CHRNA6 (cholinergic receptor nicotinic alpha 6 subunit; minus strand), CHRNB3 (cholinergic receptor nicotinic beta 3 subunit; plus strand), DKK4 (dickkopf WNT signaling pathway inhibitor 4; minus strand) and 8 more. Cytogenetic location: 8p11.21.
Variant type: Duplication.
Identifiers: ClinVar variation 2424198 (VCV002424198.6).